The following is an entry in ClinVar:

NM_177433.3(MAGED2):c.616T>C (p.Ser206Pro)

Gene: MAGED2 (MAGE family member D2; plus strand). Cytogenetic location: Xp11.21.
Variant type: single nucleotide variant.
Coding change: c.616T>C on transcript NM_177433.3 (MANE Select); coding-DNA position 616, T replaced by C.
Protein change: p.Ser206Pro; replaces serine 206 with proline.
Molecular consequence: missense variant.
Genome position (GRCh38, 1-based): chrX:54,810,899, T>C. VCF-style: chrX-54810899-T-C. GRCh37 (hg19) VCF-style: chrX-54837332-T-C.
Other names: c.616T>C, p.Ser206Pro (NM_014599.6, NM_201222.3); short protein forms S206P.
Identifiers: ClinVar variation 3772232 (VCV003772232.13).

ClinVar aggregate classification (germline): Uncertain significance (1 of 4 stars; one submission).

Submission:

CeGaT Center for Human Genetics Tuebingen
Classification: Uncertain significance. Last evaluated: 2025-01-01. Review status: criteria provided, single submitter. Criteria: CeGaT Center For Human Genetics Tuebingen Variant Classification Criteria Version 2. Collection method: clinical testing. Allele origin: germline. Affected: yes. Observed: 1 variant allele.
Comment: MAGED2: PM2, PS2:Supporting